The following is an entry in ClinVar:

NM_000238.4(KCNH2):c.2192A>C (p.His731Pro)

Gene: KCNH2 (potassium voltage-gated channel subfamily H member 2; minus strand). Cytogenetic location: 7q36.1.
Variant type: single nucleotide variant.
Coding change: c.2192A>C on transcript NM_000238.4 (MANE Select); coding-DNA position 2192, A replaced by C.
Protein change: p.His731Pro; replaces histidine 731 with proline.
Molecular consequence: missense variant.
Genome position (GRCh38, 1-based): chr7:150,950,374, T>G on the plus strand (A>C on the coding strand, the complement: KCNH2 is on the minus strand). VCF-style: chr7-150950374-T-G. GRCh37 (hg19) VCF-style: chr7-150647462-T-G.
Other names: p.H731P:CAC>CCC; c.1172A>C, p.His391Pro (NM_001204798.2, NM_172057.3); c.1904A>C, p.His635Pro (NM_001406753.1, NM_001406756.1); c.2015A>C, p.His672Pro (NM_001406755.1); c.1892A>C, p.His631Pro (NM_001406757.1); c.2192A>C, p.His731Pro (NM_172056.3); short protein forms H391P, H731P, H672P, H635P, H631P.
Identifiers: ClinVar variation 200417 (VCV000200417.8), dbSNP rs794728385, ClinGen allele CA006334.
Genomic context (GRCh38, chr7:150,950,374, plus strand): 5'-AGGCAGCCCTTGGTGGCCCCTCGGAAGGGTTTGCAGTGCTGCAGCAGTGAGCGGTTCAGG[T>G]GCAGGCAGATGTCAGCCTGCAGGCACTCAGGGAAGCCCTTCAGCACCTGGGGGCAGGGTG-3'
Protein context (NP_000229.1, residues 721-741): PECLQADICL[His731Pro]LNRSLLQHCK

ClinVar aggregate classification (germline): Conflicting classifications of pathogenicity. Review status: criteria provided, conflicting classifications (1 of 4 stars). 2 submissions from 2 submitters: Likely pathogenic (1); Uncertain significance (1). Last evaluated 2023-07-19.

Conditions:
Long QT syndrome (LQTS). Identifiers: MedGen C0023976, MeSH D008133, MONDO:0002442. Disease mechanism: loss of function. Inheritance: Various modes of inheritance.

Submissions (2):

Labcorp Genetics (formerly Invitae), Labcorp
Classification: Uncertain significance for Long QT syndrome. Last evaluated: 2023-07-19. Review status: criteria provided, single submitter. Criteria: Invitae Variant Classification Sherloc (09022015). Collection method: clinical testing. Allele origin: germline.
Comment: This sequence change replaces histidine, which is basic and polar, with proline, which is neutral and non-polar, at codon 731 of the KCNH2 protein (p.His731Pro). This variant is not present in population databases (gnomAD no frequency). This missense change has been observed in individual(s) with long QT syndrome (PMID: 26669661; Invitae). ClinVar contains an entry for this variant (Variation ID: 200417). An algorithm developed to predict the effect of missense changes on protein structure and function (PolyPhen-2) suggests that this variant is likely to be disruptive. In summary, the available evidence is currently insufficient to determine the role of this variant in disease. Therefore, it has been classified as a Variant of Uncertain Significance.

GeneDx
Classification: Likely pathogenic. Last evaluated: 2014-01-31. Review status: criteria provided, single submitter. Criteria: GeneDx Variant Classification (06012015). Collection method: clinical testing. Allele origin: germline. Affected: yes.
Comment: Tp.His731Pro (CAC>CCC): c.2192 A>C in exon 9 of the KCNH2 (HERG) gene (NM_000238.2)The H731P variant in the KCNH2 gene has not been reported as a disease-causing mutation or as a benign polymorphism to our knowledge. The H731P variant is a non-conservative amino acid substitution as these residues differ in polarity, charge, size and/or other properties and is more likely to impact secondary structure. The H731 residue is conserved across species. In silico analysis predicts H731P is probably damaging to the protein structure/function. Mutations in nearby residues (P721L, I728F, S735L) have been reported in association with LQTS, further supporting the functional importance of this region of the protein. Furthermore, the H731P variant was not observed in approximately 6,500 individuals of European and African American ancestry in the NHLBI Exome Sequencing Project, indicating it is not a common benign variant in these populations.In summary, while H731P is a good candidate for a disease-causing mutation, with the clinical and molecular information available at this time we cannot unequivocally determine the clinical significance of this variant. The variant is found in LQT panel(s).

Literature cited by the submitters: PubMed 26669661 (cited by Labcorp Genetics (formerly Invitae), Labcorp).